The following is an entry in ClinVar:

ClinVar aggregate classification (germline): Uncertain significance (1 of 4 stars; one submission).

Allele frequency attached by ClinVar (database versions not stated): gnomAD 0.00001; TOPMed 0.00001.
gnomAD v4.1: 2 of 1,613,612 alleles (0.00012%); highest among the groups gnomAD compares: East Asian, 0.0022%; no homozygotes.

Submission:

Labcorp Genetics (formerly Invitae), Labcorp
Classification: Uncertain significance. Last evaluated: 2022-09-08. Review status: criteria provided, single submitter. Criteria: Invitae Variant Classification Sherloc (09022015). Collection method: clinical testing. Allele origin: germline.
Comment: This sequence change falls in intron 15 of the COL17A1 gene. It does not directly change the encoded amino acid sequence of the COL17A1 protein. It affects a nucleotide within the consensus splice site. This variant is not present in population databases (gnomAD no frequency). This variant has been observed in individual(s) with epidermolysis bullosa (Invitae). In at least one individual the data is consistent with being in trans (on the opposite chromosome) from a pathogenic variant. ClinVar contains an entry for this variant (Variation ID: 1400974). Variants that disrupt the consensus splice site are a relatively common cause of aberrant splicing (PMID: 17576681, 9536098). Algorithms developed to predict the effect of sequence changes on RNA splicing suggest that this variant may disrupt the consensus splice site. In summary, the available evidence is currently insufficient to determine the role of this variant in disease. Therefore, it has been classified as a Variant of Uncertain Significance.

Literature cited by the submitters: PubMed 17576681; PubMed 9536098.

NM_000494.4(COL17A1):c.1222+4A>G

Gene: COL17A1 (collagen type XVII alpha 1 chain; minus strand). Cytogenetic location: 10q25.1.
Variant type: single nucleotide variant.
Coding change: c.1222+4A>G on transcript NM_000494.4 (MANE Select); 4 bases into the intron after coding-DNA position 1222, A replaced by G.
Molecular consequence: intron variant.
Genome position (GRCh38, 1-based): chr10:104,059,634, T>C on the plus strand (A>G on the coding strand, the complement: COL17A1 is on the minus strand). VCF-style: chr10-104059634-T-C. GRCh37 (hg19) VCF-style: chr10-105819392-T-C.
Identifiers: ClinVar variation 1400974 (VCV001400974.3), dbSNP rs1026862210, ClinGen allele CA212422462.